The following is an entry in ClinVar:

ClinVar aggregate classification (germline): Uncertain significance (1 of 4 stars; one submission).

Allele frequency attached by ClinVar (database versions not stated): gnomAD exomes below 0.00001 and 0.00001; TOPMed below 0.00001.
gnomAD v4.1: 2 of 1,613,858 alleles (0.00012%); highest among the groups gnomAD compares: Admixed American, 0.0033%; no homozygotes.

Submission:

Labcorp Genetics (formerly Invitae), Labcorp
Classification: Uncertain significance. Last evaluated: 2022-07-26. Review status: criteria provided, single submitter. Criteria: Invitae Variant Classification Sherloc (09022015). Collection method: clinical testing. Allele origin: germline.
Comment: This sequence change creates a premature translational stop signal (p.Glu1604*) in the GPR179 gene. While this is not anticipated to result in nonsense mediated decay, it is expected to disrupt the last 764 amino acid(s) of the GPR179 protein. This variant is present in population databases (no rsID available, gnomAD 0.003%). This variant has not been reported in the literature in individuals affected with GPR179-related conditions. ClinVar contains an entry for this variant (Variation ID: 632279). Experimental studies and prediction algorithms are not available or were not evaluated, and the functional significance of this variant is currently unknown. In summary, the available evidence is currently insufficient to determine the role of this variant in disease. Therefore, it has been classified as a Variant of Uncertain Significance.

NM_001004334.4(GPR179):c.4810G>T (p.Glu1604Ter)

Gene: GPR179 (G protein-coupled receptor 179; minus strand). Cytogenetic location: 17q12.
Variant type: single nucleotide variant.
Coding change: c.4810G>T on transcript NM_001004334.4 (MANE Select); coding-DNA position 4810, G replaced by T.
Protein change: p.Glu1604Ter; replaces glutamic acid 1604 with a stop codon.
Molecular consequence: nonsense.
Genome position (GRCh38, 1-based): chr17:38,328,759, C>A on the plus strand (G>T on the coding strand, the complement: GPR179 is on the minus strand). VCF-style: chr17-38328759-C-A. GRCh37 (hg19) VCF-style: chr17-36484642-C-A.
Other names: short protein forms E1604*.
Identifiers: ClinVar variation 632279 (VCV000632279.9), dbSNP rs1464221989, ClinGen allele CA398876056.